The following is an entry in ClinVar:

NM_004380.3(CREBBP):c.1560T>C (p.Thr520=)

Gene: CREBBP (CREB binding lysine acetyltransferase; minus strand). Cytogenetic location: 16p13.3.
Variant type: single nucleotide variant.
Coding change: c.1560T>C on transcript NM_004380.3 (MANE Select); coding-DNA position 1560, T replaced by C.
Protein change: p.Thr520=; no amino-acid change (threonine 520 retained).
Molecular consequence: synonymous variant.
Genome position (GRCh38, 1-based): chr16:3,782,697, A>G on the plus strand (T>C on the coding strand, the complement: CREBBP is on the minus strand). VCF-style: chr16-3782697-A-G. GRCh37 (hg19) VCF-style: chr16-3832698-A-G.
Other names: c.1446T>C, p.Thr482= (NM_001079846.1).
Identifiers: ClinVar variation 3345924 (VCV003345924.1).
Genomic context (GRCh38, chr16:3,782,697, plus strand): 5'-GCTGCATGTGGACAAGTAAGAACGAAGTTGAGAGTTCCTTCACCTACCCAGGGGGTTGAG[A>G]GTCCTCATCTGCTGGTGGGTTTGAGGCTGTGCTGGTTGCTGGCCAGGAACCTGAGGCTGC-3'
Protein context (NP_004371.2, residues 510-530): AQPQTHQQMR[Thr520=]LNPLGNNPMN

ClinVar aggregate classification (germline): Likely benign (0 of 4 stars; one submission).

Conditions:
CREBBP-related disorder. Also called: CREBBP-related condition; CREBBP-related disorders.

gnomAD v4.1: 7 of 1,614,092 alleles (0.00043%); highest among the groups gnomAD compares: South Asian, 0.0066%; no homozygotes.

Submission:

PreventionGenetics, part of Exact Sciences
Classification: Likely benign for CREBBP-related condition. Last evaluated: 2024-08-15. Review status: no assertion criteria provided. Collection method: clinical testing. Allele origin: germline.
Comment: This variant is classified as likely benign based on ACMG/AMP sequence variant interpretation guidelines (Richards et al. 2015 PMID: 25741868, with internal and published modifications).